The following is an entry in ClinVar:

ClinVar aggregate classification (germline): Uncertain significance. Review status: criteria provided, multiple submitters, no conflicts (2 of 4 stars). 2 submissions from 2 submitters: Uncertain significance (2). Last evaluated 2022-07-25.

Conditions:
Charcot-Marie-Tooth disease type 2. Also called: Charcot-Marie-Tooth type 2. Identifiers: Orphanet 64746, MedGen C0270914, MONDO:0018993.

Submissions (2):

Labcorp Genetics (formerly Invitae), Labcorp
Classification: Uncertain significance for Charcot-Marie-Tooth disease type 2. Last evaluated: 2022-07-25. Review status: criteria provided, single submitter. Criteria: Invitae Variant Classification Sherloc (09022015). Collection method: clinical testing. Allele origin: germline.
Comment: This sequence change replaces serine, which is neutral and polar, with asparagine, which is neutral and polar, at codon 657 of the LMNA protein (p.Ser657Asn). This variant is not present in population databases (gnomAD no frequency). This variant has not been reported in the literature in individuals affected with LMNA-related conditions. ClinVar contains an entry for this variant (Variation ID: 995174). Algorithms developed to predict the effect of missense changes on protein structure and function output the following: SIFT: "Deleterious"; PolyPhen-2: "Benign"; Align-GVGD: "Class C0". The asparagine amino acid residue is found in multiple mammalian species, which suggests that this missense change does not adversely affect protein function. Algorithms developed to predict the effect of sequence changes on RNA splicing suggest that this variant may disrupt the consensus splice site. In summary, the available evidence is currently insufficient to determine the role of this variant in disease. Therefore, it has been classified as a Variant of Uncertain Significance.

Athena Diagnostics
Classification: Uncertain significance. Last evaluated: 2019-12-02. Review status: criteria provided, single submitter. Criteria: Athena Diagnostics Criteria. Collection method: clinical testing. Allele origin: unknown.

NM_170707.4(LMNA):c.1970G>A (p.Ser657Asn)

Gene: LMNA (lamin A/C; plus strand). Cytogenetic location: 1q22.
Variant type: single nucleotide variant.
Coding change: c.1970G>A on transcript NM_170707.4 (MANE Select); coding-DNA position 1970, G replaced by A.
Protein change: p.Ser657Asn; replaces serine 657 with asparagine.
Molecular consequence: missense variant.
Genome position (GRCh38, 1-based): chr1:156,139,081, G>A. VCF-style: chr1-156139081-G-A. GRCh37 (hg19) VCF-style: chr1-156108872-G-A.
Other names: c.1634G>A, p.Ser545Asn (NM_001257374.3); c.1820G>A, p.Ser607Asn (NM_001282626.2); c.1880G>A, p.Ser627Asn (NM_170708.4); short protein forms S545N, S607N, S627N, S657N.
Identifiers: ClinVar variation 995174 (VCV000995174.8), dbSNP rs1651905151, ClinGen allele CA342828486.